The following is an entry in ClinVar:

NM_016038.4(SBDS):c.156G>T (p.Gln52His)

Gene: SBDS (SBDS ribosome maturation factor; minus strand). Cytogenetic location: 7q11.21.
Variant type: single nucleotide variant.
Coding change: c.156G>T on transcript NM_016038.4 (MANE Select); coding-DNA position 156, G replaced by T.
Protein change: p.Gln52His; replaces glutamine 52 with histidine.
Molecular consequence: missense variant.
Genome position (GRCh38, 1-based): chr7:66,994,314, C>A on the plus strand (G>T on the coding strand, the complement: SBDS is on the minus strand). VCF-style: chr7-66994314-C-A. GRCh37 (hg19) VCF-style: chr7-66459301-C-A.
Other names: short protein forms Q52H.
Identifiers: ClinVar variation 4159835 (VCV004159835.1).

ClinVar aggregate classification (germline): Uncertain significance (1 of 4 stars; one submission).

Conditions:
Inborn genetic diseases. Identifiers: MedGen C0950123, MeSH D030342.

Submission:

Ambry Genetics
Classification: Uncertain significance for Inborn genetic diseases. Last evaluated: 2025-09-10. Review status: criteria provided, single submitter. Criteria: Ambry Variant Classification Scheme 2023. Collection method: clinical testing. Allele origin: germline.
Comment: The p.Q52H variant (also known as c.156G>T), located in coding exon 2 of the SBDS gene, results from a G to T substitution at nucleotide position 156. The glutamine at codon 52 is replaced by histidine, an amino acid with highly similar properties. This amino acid position is conserved. In addition, this alteration is predicted to be deleterious by in silico analysis. Based on the available evidence, the clinical significance of this variant remains unclear.